The following is an entry in ClinVar:

ClinVar aggregate classification (germline): Uncertain significance (1 of 4 stars; one submission).

Conditions:
Epileptic encephalopathy. Identifiers: MedGen C0543888, HP:0200134.

Allele frequency attached by ClinVar (database versions not stated): gnomAD exomes below 0.00001.
gnomAD v4.1: 2 of 1,613,596 alleles (0.00012%); highest among the groups gnomAD compares: Non-Finnish European, 0.00017%; no homozygotes.

Submission:

Labcorp Genetics (formerly Invitae), Labcorp
Classification: Uncertain significance for Epileptic encephalopathy. Last evaluated: 2017-05-03. Review status: criteria provided, single submitter. Criteria: Invitae Variant Classification Sherloc (09022015). Collection method: clinical testing. Allele origin: germline.
Comment: This sequence change replaces isoleucine with valine at codon 484 of the GABBR2 protein (p.Ile484Val). The isoleucine residue is highly conserved and there is a small physicochemical difference between isoleucine and valine. This variant is not present in population databases (ExAC no frequency) and has not been reported in the literature in individuals with a GABBR2-related disease. Algorithms developed to predict the effect of missense changes on protein structure and function do not agree on the potential impact of this missense change (SIFT: "Deleterious"; PolyPhen-2: "Benign"; Align-GVGD: "Class C0"). In summary, this variant is a novel missense change with uncertain impact on protein function. It has been classified as a Variant of Uncertain Significance.

NM_005458.8(GABBR2):c.1450A>G (p.Ile484Val)

Gene: GABBR2 (gamma-aminobutyric acid type B receptor subunit 2; minus strand). Cytogenetic location: 9q22.33.
Variant type: single nucleotide variant.
Coding change: c.1450A>G on transcript NM_005458.8 (MANE Select); coding-DNA position 1450, A replaced by G.
Protein change: p.Ile484Val; replaces isoleucine 484 with valine.
Molecular consequence: missense variant.
Genome position (GRCh38, 1-based): chr9:98,388,933, T>C on the plus strand (A>G on the coding strand, the complement: GABBR2 is on the minus strand). VCF-style: chr9-98388933-T-C. GRCh37 (hg19) VCF-style: chr9-101151215-T-C.
Other names: short protein forms I484V.
Identifiers: ClinVar variation 462123 (VCV000462123.8), dbSNP rs1554698962, ClinGen allele CA374211726.